The following is an entry in ClinVar:

NM_004006.3(DMD):c.395A>G (p.Gln132Arg)

Gene: DMD (dystrophin; minus strand). Cytogenetic location: Xp21.1.
Variant type: single nucleotide variant.
Coding change: c.395A>G on transcript NM_004006.3 (MANE Select); coding-DNA position 395, A replaced by G.
Protein change: p.Gln132Arg; replaces glutamine 132 with arginine.
Molecular consequence: missense variant.
Genome position (GRCh38, 1-based): chrX:32,816,603, T>C on the plus strand (A>G on the coding strand, the complement: DMD is on the minus strand). VCF-style: chrX-32816603-T-C. GRCh37 (hg19) VCF-style: chrX-32834720-T-C.
Other names: c.371A>G, p.Gln124Arg (NM_000109.4); c.383A>G, p.Gln128Arg (NM_004009.3); c.26A>G, p.Gln9Arg (NM_004010.3); short protein forms Q124R, Q128R, Q132R, Q9R.
Identifiers: ClinVar variation 810760 (VCV000810760.12), dbSNP rs751455994, ClinGen allele CA10380165.

ClinVar aggregate classification (germline): Conflicting classifications of pathogenicity. Review status: criteria provided, conflicting classifications (1 of 4 stars). 4 submissions from 4 submitters: Uncertain significance (3); Likely benign (1). Last evaluated 2025-08-08.

Conditions:
Cardiovascular phenotype. Identifiers: MedGen CN230736.
Intellectual disability. Also called: Intellectual functioning disability; Intellectual developmental disorder; intellectual disabilities. Identifiers: MedGen C3714756, MeSH D008607, MONDO:0001071, HP:0001249.
Duchenne muscular dystrophy (DMD). Also called: MUSCULAR DYSTROPHY, PSEUDOHYPERTROPHIC PROGRESSIVE, DUCHENNE TYPE; Duchenne Muscular Dystrophy (DMD). Identifiers: Orphanet 98896, MedGen C0013264, MONDO:0010679, OMIM 310200.
Hypertrophic cardiomyopathy. Also called: HYPERTROPHIC MYOCARDIOPATHY. Identifiers: Orphanet 217569, MedGen C0007194, MeSH D002312, MONDO:0005045, HP:0001639.

Allele frequency attached by ClinVar (database versions not stated): ExAC 0.00001; gnomAD 0.00001; gnomAD exomes 0.00003 and 0.00001.
gnomAD v4.1: 36 of 1,210,036 alleles (0.003%); highest among the groups gnomAD compares: Non-Finnish European, 0.0037%; no homozygotes.

Submissions (4):

Labcorp Genetics (formerly Invitae), Labcorp
Classification: Likely benign for Duchenne muscular dystrophy. Last evaluated: 2025-08-08. Review status: criteria provided, single submitter. Criteria: Invitae Variant Classification Sherloc (09022015). Collection method: clinical testing. Allele origin: germline.

Ambry Genetics
Classification: Uncertain significance for Cardiovascular phenotype. Last evaluated: 2024-11-04. Review status: criteria provided, single submitter. Criteria: Ambry Variant Classification Scheme 2023. Collection method: clinical testing. Allele origin: germline.
Comment: The p.Q132R variant (also known as c.395A>G), located in coding exon 6 of the DMD gene, results from an A to G substitution at nucleotide position 395. The glutamine at codon 132 is replaced by arginine, an amino acid with highly similar properties. Based on data from gnomAD, the G allele has an overall frequency of 0.0005% (1/183380) total alleles studied, with 1 hemizygote(s) observed. The highest observed frequency was 0.0012% (1/81832) of European (non-Finnish) alleles. This amino acid position is highly conserved in available vertebrate species. In addition, this alteration is predicted to be deleterious by in silico analysis. Based on the available evidence, the clinical significance of this variant remains unclear.

Cambridge Genomics Laboratory, East Genomic Laboratory Hub, NHS Genomic Medicine Service
Classification: Uncertain significance for Intellectual disability. Last evaluated: 2020-04-07. Review status: criteria provided, single submitter. Criteria: ACGS Best Practice Guidelines for Variant Classification in Rare Disease 2020. Collection method: clinical testing. Allele origin: germline. Affected: yes. Observed: 1 variant allele.

Agnes Ginges Centre for Molecular Cardiology, Centenary Institute
Classification: Uncertain significance for Hypertrophic cardiomyopathy. Last evaluated: 2018-10-15. Review status: criteria provided, single submitter. Criteria: ACMG Guidelines, 2015. Collection method: research. Allele origin: germline. Inheritance: Autosomal dominant inheritance. Affected: yes.
Comment: This variant has been identified as part of our research program. Refer to the 'condition' field for the phenotype of the proband(s) identified with this variant. For further information please feel free to contact us.